The following is an entry in ClinVar:

ClinVar aggregate classification (germline): Uncertain significance (1 of 4 stars; one submission).

Submission:

Labcorp Genetics (formerly Invitae), Labcorp
Classification: Uncertain significance. Last evaluated: 2021-03-23. Review status: criteria provided, single submitter. Criteria: Invitae Variant Classification Sherloc (09022015). Collection method: clinical testing. Allele origin: germline.
Comment: This sequence change replaces threonine with serine at codon 4 of the DHX38 protein (p.Thr4Ser). The threonine residue is weakly conserved and there is a small physicochemical difference between threonine and serine. In summary, the available evidence is currently insufficient to determine the role of this variant in disease. Therefore, it has been classified as a Variant of Uncertain Significance. Algorithms developed to predict the effect of missense changes on protein structure and function output the following: SIFT: "Tolerated"; PolyPhen-2: "Benign"; Align-GVGD: "Class C0". The serine amino acid residue is found in multiple mammalian species, suggesting that this missense change does not adversely affect protein function. These predictions have not been confirmed by published functional studies and their clinical significance is uncertain. This variant has not been reported in the literature in individuals with DHX38-related conditions. This variant is not present in population databases (ExAC no frequency).

NM_014003.4(DHX38):c.10A>T (p.Thr4Ser)

Gene: DHX38 (DEAH-box helicase 38; plus strand). Cytogenetic location: 16q22.2.
Variant type: single nucleotide variant.
Coding change: c.10A>T on transcript NM_014003.4 (MANE Select); coding-DNA position 10, A replaced by T.
Protein change: p.Thr4Ser; replaces threonine 4 with serine.
Molecular consequence: missense variant.
Genome position (GRCh38, 1-based): chr16:72,096,167, A>T. VCF-style: chr16-72096167-A-T. GRCh37 (hg19) VCF-style: chr16-72130066-A-T.
Other names: short protein forms T4S.
Identifiers: ClinVar variation 1523400 (VCV001523400.8), dbSNP rs2144128516, ClinGen allele CA396698289.
Genomic context (GRCh38, chr16:72,096,167, plus strand): 5'-CTCTAGTACCAAATGGTTTGCCTTCCTTCCAGAGAAATCCCAGATCCTGTGATGGGGGAC[A>T]CCAGTGAGGATGCCTCGATCCATCGATTGGAAGGCACTGATCTGGACTGTCAGGTTGGTG-3'
Protein context (NP_054722.2, residues 1-14): MGD[Thr4Ser]SEDASIHRLE